The following is an entry in ClinVar:

ClinVar aggregate classification (germline): Uncertain significance. Review status: criteria provided, multiple submitters, no conflicts (2 of 4 stars). 5 submissions from 5 submitters: Uncertain significance (5). Last evaluated 2026-03-26.

Conditions:
AHI1-related disorder. Also called: AHI1-related condition.
Joubert syndrome. Also called: JOUBERT-BOLTSHAUSER SYNDROME; Familial aplasia of the vermis. Identifiers: Orphanet 475, MedGen C5979921, MONDO:0018772.
Joubert syndrome 3 (JBTS3). Also called: AHI1-related Ciliopathy. Identifiers: Orphanet 220493, MedGen C1837713, MONDO:0012078, OMIM 608629.

Allele frequency attached by ClinVar (database versions not stated): gnomAD exomes 0.00003 and 0.00008; TOPMed 0.00007.
gnomAD v4.1: 122 of 1,612,230 alleles (0.0076%); highest among the groups gnomAD compares: Non-Finnish European, 0.0098%; no homozygotes.

Submissions (5):

PreventionGenetics, part of Exact Sciences
Classification: Uncertain significance for AHI1-related condition. Last evaluated: 2026-03-26. Review status: criteria provided, single submitter. Criteria: ACMG Guidelines, 2015. Collection method: clinical testing. Allele origin: germline.
Comment: The AHI1 c.3160C>G variant is predicted to result in the amino acid substitution p.Pro1054Ala. To our knowledge, this variant has not been reported in the literature. This variant is reported in 0.0078% of alleles in individuals of European (Non-Finnish) descent in gnomAD. At this time, the clinical significance of this variant is uncertain due to the absence of conclusive functional and genetic evidence.

Blueprint Genetics
Classification: Uncertain significance. Last evaluated: 2024-03-15. Review status: criteria provided, single submitter. Criteria: ACMG Guidelines, 2015. Collection method: clinical testing. Allele origin: germline.

Labcorp Genetics (formerly Invitae), Labcorp
Classification: Uncertain significance for Joubert syndrome. Last evaluated: 2022-07-12. Review status: criteria provided, single submitter. Criteria: Invitae Variant Classification Sherloc (09022015). Collection method: clinical testing. Allele origin: germline.
Comment: This sequence change replaces proline, which is neutral and non-polar, with alanine, which is neutral and non-polar, at codon 1054 of the AHI1 protein (p.Pro1054Ala). This variant is present in population databases (rs201691998, gnomAD 0.006%). This variant has not been reported in the literature in individuals affected with AHI1-related conditions. ClinVar contains an entry for this variant (Variation ID: 389054). Advanced modeling of protein sequence and biophysical properties (such as structural, functional, and spatial information, amino acid conservation, physicochemical variation, residue mobility, and thermodynamic stability) performed at Invitae indicates that this missense variant is not expected to disrupt AHI1 protein function. In summary, the available evidence is currently insufficient to determine the role of this variant in disease. Therefore, it has been classified as a Variant of Uncertain Significance.

Fulgent Genetics
Classification: Uncertain significance for Joubert syndrome 3. Last evaluated: 2021-11-01. Review status: criteria provided, single submitter. Criteria: ACMG Guidelines, 2015. Collection method: clinical testing. Allele origin: unknown.

GeneDx
Classification: Uncertain significance. Last evaluated: 2020-01-14. Review status: criteria provided, single submitter. Criteria: GeneDx Variant Classification Process June 2021. Collection method: clinical testing. Allele origin: germline. Affected: yes.
Comment: In silico analysis, which includes protein predictors and evolutionary conservation, supports that this variant does not alter protein structure/function; Has not been previously published as pathogenic or benign to our knowledge

NM_001134831.2(AHI1):c.3160C>G (p.Pro1054Ala)

Gene: AHI1 (Abelson helper integration site 1; minus strand). Cytogenetic location: 6q23.3.
Variant type: single nucleotide variant.
Coding change: c.3160C>G on transcript NM_001134831.2 (MANE Select); coding-DNA position 3160, C replaced by G.
Protein change: p.Pro1054Ala; replaces proline 1054 with alanine.
Molecular consequence: missense variant.
Genome position (GRCh38, 1-based): chr6:135,358,137, G>C on the plus strand (C>G on the coding strand, the complement: AHI1 is on the minus strand). VCF-style: chr6-135358137-G-C. GRCh37 (hg19) VCF-style: chr6-135679275-G-C.
Other names: c.3160C>G, p.Pro1054Ala (NM_001134830.2, NM_001350503.2, NM_001350504.2 and 1 more transcripts); short protein forms P1054A.
Identifiers: ClinVar variation 389054 (VCV000389054.11), dbSNP rs201691998, ClinGen allele CA16605457.
Genomic context (GRCh38, chr6:135,358,137, plus strand): 5'-GTATAATTTTGTACTTTCTTAACACTTTTAACAACGTAGCAACAGACTGTCTTACCGTTG[G>C]TGCTGTATCTACCTGATGGTTACAAGGCTTTCTTTCTATGCTGATAATCCCTGTGGAAAG-3'
Protein context (NP_001128303.1, residues 1044-1064): KPCNHQVDTA[Pro1054Ala]TVVALYDYTA